The following is an entry in ClinVar:

NM_000428.3(LTBP2):c.2258del (p.Pro753fs)

Gene: LTBP2 (latent transforming growth factor beta binding protein 2; minus strand). Cytogenetic location: 14q24.3.
Variant type: Deletion.
Coding change: c.2258del on transcript NM_000428.3 (MANE Select); coding-DNA position 2258, one base deleted (C; older notation c.2258delC).
Protein change: p.Pro753fs; shifts the reading frame from proline 753.
Molecular consequence: frameshift variant.
Genome position (GRCh38, 1-based): chr14:74,528,593, G deleted on the plus strand (C on the coding strand, the reverse complement: LTBP2 is on the minus strand); the first of 5 consecutive G bases (chr14:74,528,593-74,528,597); deleting any one gives the same sequence. VCF-style (leftmost placement, unchanged base first): chr14-74528592-TG-T. GRCh37 (hg19) VCF-style: chr14-74995295-TG-T.
Other names: short protein forms P753fs.
Identifiers: ClinVar variation 4730854 (VCV004730854.1).

ClinVar aggregate classification (germline): Pathogenic (1 of 4 stars; one submission).

Submission:

Labcorp Genetics (formerly Invitae), Labcorp
Classification: Pathogenic. Last evaluated: 2025-11-09. Review status: criteria provided, single submitter. Criteria: Invitae Variant Classification Sherloc (09022015). Collection method: clinical testing. Allele origin: germline.
Comment: This sequence change creates a premature translational stop signal (p.Pro753Glnfs*78) in the LTBP2 gene. It is expected to result in an absent or disrupted protein product. Loss-of-function variants in LTBP2 are known to be pathogenic (PMID: 19361779, 19656777, 22025892). This variant is not present in population databases (gnomAD no frequency). This variant has not been reported in the literature in individuals affected with LTBP2-related conditions. For these reasons, this variant has been classified as Pathogenic.

Literature cited by the submitters: PubMed 19361779; PubMed 19656777; PubMed 22025892.